The following is an entry in ClinVar:

ClinVar aggregate classification (germline): Conflicting classifications of pathogenicity. Review status: criteria provided, conflicting classifications (1 of 4 stars). 3 submissions from 3 submitters: Uncertain significance (2); Likely benign (1). Last evaluated 2024-10-17.

Conditions:
Hereditary cancer-predisposing syndrome. Also called: Neoplastic Syndromes, Hereditary; Tumor predisposition; Hereditary Cancer Syndrome; Hereditary neoplastic syndrome. Identifiers: Orphanet 140162, MedGen C0027672, MeSH D009386, MONDO:0015356.

Submissions (3):

Ambry Genetics
Classification: Uncertain significance for Hereditary cancer-predisposing syndrome. Last evaluated: 2024-10-17. Review status: criteria provided, single submitter. Criteria: Ambry Variant Classification Scheme 2023. Collection method: clinical testing. Allele origin: germline.
Comment: The p.H1467P variant (also known as c.4400A>C), located in coding exon 10 of the BRCA2 gene, results from an A to C substitution at nucleotide position 4400. The histidine at codon 1467 is replaced by proline, an amino acid with similar properties. This amino acid position is conserved. In addition, this alteration is predicted to be tolerated by in silico analysis. Based on the available evidence, the clinical significance of this variant remains unclear.

Color Diagnostics, LLC DBA Color Health
Classification: Uncertain significance for Hereditary cancer-predisposing syndrome. Last evaluated: 2023-12-04. Review status: criteria provided, single submitter. Criteria: ACMG Guidelines, 2015. Collection method: clinical testing. Allele origin: germline.
Comment: This missense variant replaces histidine with proline at codon 1467 of the BRCA2 protein. Computational prediction suggests that this variant may not impact protein structure and function (internally defined REVEL score threshold <= 0.5, PMID: 27666373). To our knowledge, functional studies have not been reported for this variant. This variant has not been reported in individuals affected with BRCA2-related disorders in the literature. This variant has not been identified in the general population by the Genome Aggregation Database (gnomAD). The available evidence is insufficient to determine the role of this variant in disease conclusively. Therefore, this variant is classified as a Variant of Uncertain Significance.

University of Washington Department of Laboratory Medicine, University of Washington
Classification: Likely benign for Hereditary cancer-predisposing syndrome. Last evaluated: 2023-03-23. Review status: criteria provided, single submitter. Criteria: Dines et al. (Genet Med. 2020). Collection method: curation. Allele origin: germline.
Comment: Missense variant in a coldspot region where missense variants are very unlikely to be pathogenic (PMID:31911673).

BRCA2 exon 11 coldspot. Reclassification based on statistical prior probability.

NM_000059.4(BRCA2):c.4400A>C (p.His1467Pro)

Gene: BRCA2 (BRCA2 DNA repair associated; plus strand). Cytogenetic location: 13q13.1.
Variant type: single nucleotide variant.
Coding change: c.4400A>C on transcript NM_000059.4 (MANE Select); coding-DNA position 4400, A replaced by C.
Protein change: p.His1467Pro; replaces histidine 1467 with proline.
Molecular consequence: missense variant.
Genome position (GRCh38, 1-based): chr13:32,338,755, A>C. VCF-style: chr13-32338755-A-C. GRCh37 (hg19) VCF-style: chr13-32912892-A-C.
Other names: short protein forms H1467P.
Identifiers: ClinVar variation 918603 (VCV000918603.7), dbSNP rs1555283765, ClinGen allele CA387781131.